The following is an entry in ClinVar:

ClinVar aggregate classification (germline): Uncertain significance (1 of 4 stars; one submission).

gnomAD v4.1: 26 of 1,614,016 alleles (0.0016%); highest among the groups gnomAD compares: African/African-American, 0.0067%; no homozygotes.

Submission:

Ambry Genetics
Classification: Uncertain significance. Last evaluated: 2025-10-02. Review status: criteria provided, single submitter. Criteria: Ambry Variant Classification Scheme 2023. Collection method: clinical testing. Allele origin: germline.
Comment: The c.221G>A (p.R74H) alteration is located in exon 4 (coding exon 3) of the ZNF76 gene. This alteration results from a G to A substitution at nucleotide position 221, causing the arginine (R) at amino acid position 74 to be replaced by a histidine (H). Based on data from gnomAD, the A allele has an overall frequency of 0.001% (2/251166) total alleles studied. The highest observed frequency was 0.003% (1/34590) of Latino alleles. Based on insufficient or conflicting evidence, the clinical significance of this alteration remains unclear.

NM_003427.5(ZNF76):c.221G>A (p.Arg74His)

Genes: ZNF76 (zinc finger protein 76; plus strand), LOC126859662 (BRD4-independent group 4 enhancer GRCh37_chr6:35253595-35254794; plus strand). Cytogenetic location: 6p21.31.
Variant type: single nucleotide variant.
Coding change: c.221G>A on transcript NM_003427.5 (MANE Select); coding-DNA position 221, G replaced by A.
Protein change: p.Arg74His; replaces arginine 74 with histidine.
Molecular consequence: missense variant.
Genome position (GRCh38, 1-based): chr6:35,286,388, G>A. VCF-style: chr6-35286388-G-A. GRCh37 (hg19) VCF-style: chr6-35254165-G-A.
Other names: c.221G>A, p.Arg74His (NM_001292032.2); short protein forms R74H.
Identifiers: ClinVar variation 4611865 (VCV004611865.1).